The following is an entry in ClinVar:

ClinVar aggregate classification (germline): Pathogenic (1 of 4 stars; one submission).

Submission:

GeneDx
Classification: Pathogenic. Last evaluated: 2018-01-03. Review status: criteria provided, single submitter. Criteria: GeneDx Variant Classification (06012015). Collection method: clinical testing. Allele origin: germline. Affected: yes.
Comment: The c.2845_2854dup10 variant in the ALS2 gene has not been reported previously as a pathogenic variant nor as a benign variant, to our knowledge. The c.2845_2854dup10 variant causes a frameshift starting with codon Histidine 952, changes this amino acid to a Leucine residue, and creates a premature Stop codon at position 18 of the new reading frame, denoted p.His952LeufsX18. This variant is predicted to cause loss of normal protein function either through protein truncation or nonsense-mediated mRNA decay. The c.2845_2854dup10 variant is not observed in large population cohorts (Lek et al., 2016). We interpret c.2845_2854dup10 as a pathogenic variant.

NM_020919.4(ALS2):c.2845_2854dup (p.His952fs)

Gene: ALS2 (alsin Rho guanine nucleotide exchange factor ALS2; minus strand). Cytogenetic location: 2q33.1.
Variant type: Duplication.
Coding change: c.2845_2854dup on transcript NM_020919.4 (MANE Select); coding-DNA positions 2845 to 2854, 10 bases duplicated (TCCACGCACC; older notation c.2845_2854dupTCCACGCACC).
Protein change: p.His952fs; shifts the reading frame from histidine 952.
Molecular consequence: frameshift variant.
Genome position (GRCh38, 1-based): chr2:201,727,763-201,727,772, GGTGCGTGGA duplicated on the plus strand (TCCACGCACC on the coding strand, the reverse complement: ALS2 is on the minus strand); duplicating any 10 consecutive bases within chr2:201,727,763-201,727,773 gives the same sequence; the c. name uses the placement nearest the transcript's 3' end. VCF-style (leftmost placement, unchanged base first): chr2-201727762-T-TGGTGCGTGGA. GRCh37 (hg19) VCF-style: chr2-202592485-T-TGGTGCGTGGA.
Other names: c.2845_2854dupTCCACGCACC (NM_020919.3); short protein forms H952fs.
Identifiers: ClinVar variation 504060 (VCV000504060.2), dbSNP rs1553506317, ClinGen allele CA658796146.